The following is an entry in ClinVar:

NM_001330700.2(TOP2B):c.1601T>G (p.Ile534Arg)

Gene: TOP2B (DNA topoisomerase II beta; minus strand). Cytogenetic location: 3p24.2.
Variant type: single nucleotide variant.
Coding change: c.1601T>G on transcript NM_001330700.2 (MANE Select); coding-DNA position 1601, T replaced by G.
Protein change: p.Ile534Arg; replaces isoleucine 534 with arginine.
Molecular consequence: missense variant.
Genome position (GRCh38, 1-based): chr3:25,630,117, A>C on the plus strand (T>G on the coding strand, the complement: TOP2B is on the minus strand). VCF-style: chr3-25630117-A-C. GRCh37 (hg19) VCF-style: chr3-25671608-A-C.
Other names: c.1586T>G, p.Ile529Arg (NM_001068.3); short protein forms I529R, I534R.
Identifiers: ClinVar variation 3359994 (VCV003359994.1).

ClinVar aggregate classification (germline): Uncertain significance (1 of 4 stars; one submission).

Submission:

GeneDx
Classification: Uncertain significance. Last evaluated: 2023-06-16. Review status: criteria provided, single submitter. Criteria: GeneDx Variant Classification Process June 2021. Collection method: clinical testing. Allele origin: germline. Affected: yes.
Comment: Not observed at significant frequency in large population cohorts (gnomAD); In silico analysis supports that this missense variant has a deleterious effect on protein structure/function; Has not been previously published as pathogenic or benign to our knowledge